The following is an entry in ClinVar:

ClinVar aggregate classification (germline): Uncertain significance (1 of 4 stars; one submission).

Submission:

Greenwood Genetic Center Diagnostic Laboratories, Greenwood Genetic Center
Classification: Uncertain significance. Last evaluated: 2024-11-05. Review status: criteria provided, single submitter. Criteria: ACMG Guidelines, 2015. Collection method: clinical testing. Allele origin: germline. Affected: yes.
Comment: PM2, BP4, PP2

NM_014423.4(AFF4):c.842G>A (p.Gly281Asp)

Gene: AFF4 (ALF transcription elongation factor 4; minus strand). Cytogenetic location: 5q31.1.
Variant type: single nucleotide variant.
Coding change: c.842G>A on transcript NM_014423.4 (MANE Select); coding-DNA position 842, G replaced by A.
Protein change: p.Gly281Asp; replaces glycine 281 with aspartic acid.
Molecular consequence: missense variant.
Genome position (GRCh38, 1-based): chr5:132,934,223, C>T on the plus strand (G>A on the coding strand, the complement: AFF4 is on the minus strand). VCF-style: chr5-132934223-C-T. GRCh37 (hg19) VCF-style: chr5-132269915-C-T.
Other names: short protein forms G281D.
Identifiers: ClinVar variation 3765745 (VCV003765745.1).
Genomic context (GRCh38, chr5:132,934,223, plus strand): 5'-GGTATTTTCAGCTTGGTGAGATGTGCTTTGCTGCTGGGCTTCAGCTCAGTCATGCTGTTG[C>T]CATGGGATTGGCTGCTGTAGTGCTCAGAGGACAGCTTTGGTTCCATGGACTCCTGTCCGT-3'
Protein context (NP_055238.1, residues 271-291): SSEHYSSQSH[Gly281Asp]NSMTELKPSS